The following is an entry in ClinVar:

NM_004523.4(KIF11):c.2953_2955del (p.Gln985del)

Gene: KIF11 (kinesin family member 11; plus strand). Cytogenetic location: 10q23.33.
Variant type: Deletion.
Coding change: c.2953_2955del on transcript NM_004523.4 (MANE Select); coding-DNA positions 2953 to 2955, 3 bases deleted (CAG; older notation c.2953_2955delCAG).
Protein change: p.Gln985del; deletes glutamine 985.
Molecular consequence: inframe deletion.
Genome position (GRCh38, 1-based): chr10:92,650,431-92,650,433, CAG deleted; deleting any 3 consecutive bases within chr10:92,650,430-92,650,433 gives the same sequence; the c. name uses the placement nearest the transcript's 3' end. VCF-style (leftmost placement, unchanged base first): chr10-92650429-GGCA-G. GRCh37 (hg19) VCF-style: chr10-94410186-GGCA-G.
Other names: c.2953_2955delCAG (NM_004523.4); short protein forms Q985del.
Identifiers: ClinVar variation 3611040 (VCV003611040.3).

ClinVar aggregate classification (germline): Uncertain significance. Review status: criteria provided, multiple submitters, no conflicts (2 of 4 stars). 2 submissions from 2 submitters: Uncertain significance (2). Last evaluated 2025-10-28.

Submissions (2):

Women's Health and Genetics/Laboratory Corporation of America, LabCorp
Classification: Uncertain significance. Last evaluated: 2025-10-28. Review status: criteria provided, single submitter. Criteria: LabCorp Variant Classification Summary - May 2015. Collection method: clinical testing. Allele origin: germline.
Comment: Variant summary: KIF11 c.2953_2955delCAG (p.Gln985del) results in an in-frame deletion that is predicted to remove one amino acid from the encoded protein. The variant allele was found at a frequency of 8e-06 in 251392 control chromosomes. The available data on variant occurrences in the general population are insufficient to allow any conclusion about variant significance. To our knowledge, no occurrence of c.2953_2955delCAG in individuals affected with KIF11-related conditions and no experimental evidence demonstrating its impact on protein function have been reported. ClinVar contains an entry for this variant (Variation ID: 3611040). Based on the evidence outlined above, the variant was classified as uncertain significance.

Labcorp Genetics (formerly Invitae), Labcorp
Classification: Uncertain significance. Last evaluated: 2024-03-09. Review status: criteria provided, single submitter. Criteria: Invitae Variant Classification Sherloc (09022015). Collection method: clinical testing. Allele origin: germline.
Comment: This variant, c.2953_2955del, results in the deletion of 1 amino acid(s) of the KIF11 protein (p.Gln985del), but otherwise preserves the integrity of the reading frame. This variant is present in population databases (no rsID available, gnomAD 0.002%). This variant has not been reported in the literature in individuals affected with KIF11-related conditions. Experimental studies and prediction algorithms are not available or were not evaluated, and the functional significance of this variant is currently unknown. In summary, the available evidence is currently insufficient to determine the role of this variant in disease. Therefore, it has been classified as a Variant of Uncertain Significance.